The following is an entry in ClinVar:

ClinVar aggregate classification (germline): Uncertain significance (1 of 4 stars; one submission).

Conditions:
Epileptic encephalopathy. Identifiers: MedGen C0543888, HP:0200134.

Allele frequency attached by ClinVar (database versions not stated): gnomAD exomes below 0.00001; gnomAD 0.00001; TOPMed 0.00001.
gnomAD v4.1: 2 of 1,613,332 alleles (0.00012%); highest among the groups gnomAD compares: Admixed American, 0.0033%; no homozygotes.

Submission:

Labcorp Genetics (formerly Invitae), Labcorp
Classification: Uncertain significance for Epileptic encephalopathy. Last evaluated: 2020-04-01. Review status: criteria provided, single submitter. Criteria: Invitae Variant Classification Sherloc (09022015). Collection method: clinical testing. Allele origin: germline.
Comment: In summary, the available evidence is currently insufficient to determine the role of this variant in disease. Therefore, it has been classified as a Variant of Uncertain Significance. Algorithms developed to predict the effect of missense changes on protein structure and function output the following: SIFT: "Tolerated"; PolyPhen-2: "Benign"; Align-GVGD: "Class C0". The methionine amino acid residue is found in multiple mammalian species, suggesting that this missense change does not adversely affect protein function. These predictions have not been confirmed by published functional studies and their clinical significance is uncertain. This variant has not been reported in the literature in individuals with RYR3-related conditions. This variant is not present in population databases (ExAC no frequency). This sequence change replaces isoleucine with methionine at codon 338 of the RYR3 protein (p.Ile338Met). The isoleucine residue is moderately conserved and there is a small physicochemical difference between isoleucine and methionine.

NM_001036.6(RYR3):c.1014A>G (p.Ile338Met)

Gene: RYR3 (ryanodine receptor 3; plus strand). Cytogenetic location: 15q14.
Variant type: single nucleotide variant.
Coding change: c.1014A>G on transcript NM_001036.6 (MANE Select); coding-DNA position 1014, A replaced by G.
Protein change: p.Ile338Met; replaces isoleucine 338 with methionine.
Molecular consequence: missense variant.
Genome position (GRCh38, 1-based): chr15:33,562,878, A>G. VCF-style: chr15-33562878-A-G. GRCh37 (hg19) VCF-style: chr15-33855079-A-G.
Other names: c.1014A>G, p.Ile338Met (NM_001243996.4); short protein forms I338M.
Identifiers: ClinVar variation 1057683 (VCV001057683.9), dbSNP rs1340198830, ClinGen allele CA391564683.